The following is an entry in ClinVar:

NM_001368894.2(PAX6):c.802_807+9del

Gene: PAX6 (paired box 6; minus strand). Cytogenetic location: 11p13.
Variant type: Deletion.
Coding change: c.802_807+9del on transcript NM_001368894.2 (MANE Select); coding-DNA position 802 through 9 bases into the intron after coding-DNA position 807, 15 bases deleted (ATACAGGTACCGAGA).
Molecular consequence: splice donor variant.
Genome position (GRCh38, 1-based): chr11:31,794,023-31,794,037, TCTCGGTACCTGTAT deleted on the plus strand (ATACAGGTACCGAGA on the coding strand, the reverse complement: PAX6 is on the minus strand); deleting any 15 consecutive bases within chr11:31,794,023-31,794,040 gives the same sequence; the c. name uses the placement nearest the transcript's 3' end. VCF-style (leftmost placement, unchanged base first): chr11-31794022-CTCTCGGTACCTGTAT-C. GRCh37 (hg19) VCF-style: chr11-31815570-CTCTCGGTACCTGTAT-C.
Other names: c.760_765+9del (NM_001127612.3, NM_001368890.2, NM_001368888.2 and 10 more transcripts); c.601_606+9del (NM_001368921.2, NM_001368923.2, NM_001368926.2 and 4 more transcripts); c.802_807+9del (NM_001258462.3, NM_001310158.2, NM_001258463.2 and 6 more transcripts); c.877_882+9del (NM_001368919.2, NM_001368918.2); c.1003_1008+9del (NM_001368910.2); c.352_357+9del (NM_001368909.2, NM_001368904.2, NM_001368905.2 and 11 more transcripts); c.805_810+9del (NM_001368911.2); c.559_564+9del (NM_001368928.2); and 2 more.
Identifiers: ClinVar variation 1459450 (VCV001459450.7), dbSNP rs2134609369, ClinGen allele CA2573146286.

ClinVar aggregate classification (germline): Pathogenic (1 of 4 stars; one submission).

Conditions:
Aniridia 1 (AN1). Identifiers: Orphanet 250923, MedGen C0344542, MONDO:0024507, OMIM 106210.
Irido-corneo-trabecular dysgenesis (ASGD5). Also called: ANTERIOR SEGMENT DYSGENESIS 5. Identifiers: Orphanet 708, MedGen C0344559, MONDO:0011414, OMIM 604229, HP:0000659.

Submission:

Labcorp Genetics (formerly Invitae), Labcorp
Classification: Pathogenic for Aniridia 1; Irido-corneo-trabecular dysgenesis. Last evaluated: 2021-10-19. Review status: criteria provided, single submitter. Criteria: Invitae Variant Classification Sherloc (09022015). Collection method: clinical testing. Allele origin: germline.
Comment: This variant has been observed in individual(s) with bilateral aniridia (PMID: 16617299). For these reasons, this variant has been classified as Pathogenic. Algorithms developed to predict the effect of sequence changes on RNA splicing suggest that this variant may disrupt the consensus splice site. This variant is also known as c.1122-1127delATACAG or c.1122del15. This variant is not present in population databases (ExAC no frequency). This variant results in the deletion of part of exon 9 (c.760_765+9del) of the PAX6 gene. It is expected to disrupt RNA splicing. Variants that disrupt the donor or acceptor splice site typically lead to a loss of protein function (PMID: 16199547), and loss-of-function variants in PAX6 are known to be pathogenic (PMID: 12634864).

Literature cited by the submitters: PubMed 16617299; PubMed 16199547; PubMed 12634864.